The following is an entry in ClinVar:

ClinVar aggregate classification (germline): Pathogenic (1 of 4 stars; one submission).

Conditions:
Hereditary spastic paraplegia 31. Also called: SPASTIC PARAPLEGIA 31, AUTOSOMAL DOMINANT. Identifiers: Orphanet 101011, MedGen C1853247, MONDO:0012453, OMIM 610250.

Submission:

Labcorp Genetics (formerly Invitae), Labcorp
Classification: Pathogenic for Hereditary spastic paraplegia 31. Last evaluated: 2022-06-15. Review status: criteria provided, single submitter. Criteria: Invitae Variant Classification Sherloc (09022015). Collection method: clinical testing. Allele origin: germline.
Comment: This variant is a gross deletion of the genomic region encompassing exon(s) 4-5 of the REEP1 gene. This deletion is out-of-frame, and is expected to create a premature termination codon and result in an absent or disrupted protein product. Loss-of-function variants in REEP1 are known to be pathogenic (PMID: 18321925, 18644145, 22703882). A similar copy number variant has been observed in individuals with hereditary spastic paraplegia (PMID: 24451228). For these reasons, this variant has been classified as Pathogenic.

Literature cited by the submitters: PubMed 18321925; PubMed 18644145; PubMed 22703882; PubMed 24451228.

NC_000002.11:g.(?_86479060)_(86481957_?)del

Gene: REEP1 (receptor accessory protein 1; minus strand). Cytogenetic location: 2p11.2.
Variant type: Deletion.
Identifiers: ClinVar variation 2426782 (VCV002426782.3).